The following is an entry in ClinVar:

NM_004444.5(EPHB4):c.1144G>A (p.Gly382Ser)

Gene: EPHB4 (EPH receptor B4; minus strand). Cytogenetic location: 7q22.1.
Variant type: single nucleotide variant.
Coding change: c.1144G>A on transcript NM_004444.5 (MANE Select); coding-DNA position 1144, G replaced by A.
Protein change: p.Gly382Ser; replaces glycine 382 with serine.
Molecular consequence: missense variant.
Genome position (GRCh38, 1-based): chr7:100,819,710, C>T on the plus strand (G>A on the coding strand, the complement: EPHB4 is on the minus strand). VCF-style: chr7-100819710-C-T. GRCh37 (hg19) VCF-style: chr7-100417332-C-T.
Other names: p.Gly382Ser; short protein forms G382S.
Identifiers: ClinVar variation 1304643 (VCV001304643.38), dbSNP rs114926839, ClinGen allele CA4393088.

ClinVar aggregate classification (germline): Conflicting classifications of pathogenicity. Review status: criteria provided, conflicting classifications (1 of 4 stars). 6 submissions from 6 submitters: Uncertain significance (1); Benign (2); Likely benign (3). Last evaluated 2025-07-31.

Conditions:
Cardiovascular phenotype. Identifiers: MedGen CN230736.

Allele frequency attached by ClinVar (database versions not stated): ExAC 0.00085; gnomAD 0.00226 and 0.00239; TOPMed 0.00251; ESP Exome Variant Server 0.00300; 1000 Genomes Project 0.00319; 1000 Genomes Project 30x 0.00390.

Submissions (6):

Labcorp Genetics (formerly Invitae), Labcorp
Classification: Benign. Last evaluated: 2025-07-31. Review status: criteria provided, single submitter. Criteria: Invitae Variant Classification Sherloc (09022015). Collection method: clinical testing. Allele origin: germline.

Mayo Clinic Laboratories, Mayo Clinic
Classification: Likely benign. Last evaluated: 2025-03-04. Review status: criteria provided, single submitter. Criteria: ACMG Guidelines, 2015. Collection method: clinical testing. Allele origin: germline. Observed: 4 variant alleles.
Comment: BS1, BP4_moderate

ARUP Laboratories, Molecular Genetics and Genomics, ARUP Laboratories
Classification: Likely benign. Last evaluated: 2023-12-14. Review status: criteria provided, single submitter. Criteria: ARUP Molecular Germline Variant Investigation Process 2024. Collection method: clinical testing. Allele origin: germline.

CeGaT Center for Human Genetics Tuebingen
Classification: Benign. Last evaluated: 2022-09-01. Review status: criteria provided, single submitter. Criteria: CeGaT Center For Human Genetics Tuebingen Variant Classification Criteria Version 2. Collection method: clinical testing. Allele origin: germline. Affected: yes. Observed: 1 variant allele.
Comment: EPHB4: BS1, BS2

GeneDx
Classification: Uncertain significance. Last evaluated: 2021-01-11. Review status: criteria provided, single submitter. Criteria: GeneDx Variant Classification Process June 2021. Collection method: clinical testing. Allele origin: germline. Affected: yes.
Comment: In silico analysis supports that this missense variant does not alter protein structure/function; Has not been previously published as pathogenic or benign to our knowledge

Ambry Genetics
Classification: Likely benign for Cardiovascular phenotype. Last evaluated: 2019-09-26. Review status: criteria provided, single submitter. Criteria: Ambry Variant Classification Scheme 2023. Collection method: clinical testing. Allele origin: germline.